The following is an entry in ClinVar:

NM_000088.4(COL1A1):c.652G>C (p.Gly218Arg)

Gene: COL1A1 (collagen type I alpha 1 chain; minus strand). Cytogenetic location: 17q21.33.
Variant type: single nucleotide variant.
Coding change: c.652G>C on transcript NM_000088.4 (MANE Select); coding-DNA position 652, G replaced by C.
Protein change: p.Gly218Arg; replaces glycine 218 with arginine.
Molecular consequence: missense variant.
Genome position (GRCh38, 1-based): chr17:50,197,776, C>G on the plus strand (G>C on the coding strand, the complement: COL1A1 is on the minus strand). VCF-style: chr17-50197776-C-G. GRCh37 (hg19) VCF-style: chr17-48275137-C-G.
Other names: short protein forms G218R.
Identifiers: ClinVar variation 1458042 (VCV001458042.6), dbSNP rs2144586064, ClinGen allele CA400224803.

ClinVar aggregate classification (germline): Pathogenic (1 of 4 stars; one submission).

Conditions:
Osteogenesis imperfecta type I (OI1). Also called: Lobstein disease; Classic Non-deforming Osteogenesis Imperfecta with Blue Sclerae; OI, TYPE I; OSTEOGENESIS IMPERFECTA TARDA; OSTEOGENESIS IMPERFECTA WITH BLUE SCLERAE; Osteogenesis imperfecta type 1. Identifiers: Orphanet 216796, Orphanet 666, MedGen C0023931, MONDO:0008146, OMIM 166200. Disease mechanism: loss of function.

Submission:

Labcorp Genetics (formerly Invitae), Labcorp
Classification: Pathogenic for Osteogenesis imperfecta type I. Last evaluated: 2024-10-19. Review status: criteria provided, single submitter. Criteria: Invitae Variant Classification Sherloc (09022015). Collection method: clinical testing. Allele origin: germline.
Comment: This sequence change replaces glycine, which is neutral and non-polar, with arginine, which is basic and polar, at codon 218 of the COL1A1 protein (p.Gly218Arg). This variant is not present in population databases (gnomAD no frequency). This missense change has been observed in individual(s) with clinical features of osteogenesis imperfecta (internal data). ClinVar contains an entry for this variant (Variation ID: 1458042). Invitae Evidence Modeling of protein sequence and biophysical properties (such as structural, functional, and spatial information, amino acid conservation, physicochemical variation, residue mobility, and thermodynamic stability) indicates that this missense variant is expected to disrupt COL1A1 protein function with a positive predictive value of 95%. This variant disrupts the triple helix domain of COL1A1. Glycine residues within the Gly-Xaa-Yaa repeats of the triple helix domain are required for the structure and stability of fibrillar collagens (PMID: 7695699, 8218237, 19344236). In COL1A1, variants affecting these glycine residues are significantly enriched in individuals with disease (PMID: 9016532, 17078022) compared to the general population (ExAC). This variant disrupts the p.Gly218 amino acid residue in COL1A1. Other variant(s) that disrupt this residue have been observed in individuals with COL1A1-related conditions (PMID: 27509835, 30614853), which suggests that this may be a clinically significant amino acid residue. For these reasons, this variant has been classified as Pathogenic.

Literature cited by the submitters: PubMed 7695699; PubMed 8218237; PubMed 19344236; PubMed 9016532; PubMed 17078022; PubMed 27509835; PubMed 30614853.